The following is an entry in ClinVar:

NM_005918.4(MDH2):c.385G>C (p.Ala129Pro)

Gene: MDH2 (malate dehydrogenase 2; plus strand). Cytogenetic location: 7q11.23.
Variant type: single nucleotide variant.
Coding change: c.385G>C on transcript NM_005918.4 (MANE Select); coding-DNA position 385, G replaced by C.
Protein change: p.Ala129Pro; replaces alanine 129 with proline.
Molecular consequence: missense variant.
Genome position (GRCh38, 1-based): chr7:76,058,034, G>C. VCF-style: chr7-76058034-G-C. GRCh37 (hg19) VCF-style: chr7-75687352-G-C.
Other names: c.385G>C, p.Ala129Pro (NM_001282403.2); c.64G>C, p.Ala22Pro (NM_001282404.2); short protein forms A129P, A22P.
Identifiers: ClinVar variation 3225188 (VCV003225188.1), dbSNP rs2535859865, ClinGen allele CA367764356.
Genomic context (GRCh38, chr7:76,058,034, plus strand): 5'-ACCCGGGACGACCTGTTCAACACCAATGCCACGATTGTGGCCACCCTGACCGCTGCCTGT[G>C]CCCAGCACTGCCCGGAAGCCATGATCTGCGTCATTGCCAATCCGGTGAGTGTGGCAGCAC-3'
Protein context (NP_005909.2, residues 119-139): TIVATLTAAC[Ala129Pro]QHCPEAMICV

ClinVar aggregate classification (germline): Uncertain significance (1 of 4 stars; one submission).

Conditions:
Inborn genetic diseases. Identifiers: MedGen C0950123, MeSH D030342.

gnomAD v4.1: 1 of 1,613,824 alleles (0.000062%); highest among the groups gnomAD compares: South Asian, 0.0011%; no homozygotes.

Submission:

Ambry Genetics
Classification: Uncertain significance for Inborn genetic diseases. Last evaluated: 2023-09-25. Review status: criteria provided, single submitter. Criteria: Ambry Variant Classification Scheme 2023. Collection method: clinical testing. Allele origin: germline.
Comment: The p.A129P variant (also known as c.385G>C), located in coding exon 4 of the MDH2 gene, results from a G to C substitution at nucleotide position 385. The alanine at codon 129 is replaced by proline, an amino acid with highly similar properties. This amino acid position is conserved. In addition, this alteration is predicted to be deleterious by in silico analysis. Since supporting evidence is limited at this time, the clinical significance of this alteration remains unclear.